The following is an entry in ClinVar:

ClinVar aggregate classification (germline): Uncertain significance. Review status: criteria provided, multiple submitters, no conflicts (2 of 4 stars). 2 submissions from 2 submitters: Uncertain significance (2). Last evaluated 2025-12-15.

Conditions:
Hereditary cancer-predisposing syndrome. Also called: Hereditary Cancer Syndrome; Tumor predisposition; Neoplastic Syndromes, Hereditary; Hereditary neoplastic syndrome. Identifiers: Orphanet 140162, MedGen C0027672, MeSH D009386, MONDO:0015356.
Gastrointestinal stromal tumor. Also called: Gastrointestinal stromal tumor, somatic; Gastrointestinal stroma tumor. Identifiers: Orphanet 44890, MedGen C0238198, MeSH D046152, MONDO:0011719, OMIM 606764, HP:0100723.

Submissions (2):

Ambry Genetics
Classification: Uncertain significance for Hereditary cancer-predisposing syndrome. Last evaluated: 2025-12-15. Review status: criteria provided, single submitter. Criteria: Ambry Variant Classification Scheme 2023. Collection method: clinical testing. Allele origin: germline.
Comment: The p.V955M variant (also known as c.2863G>A), located in coding exon 21 of the KIT gene, results from a G to A substitution at nucleotide position 2863. The valine at codon 955 is replaced by methionine, an amino acid with highly similar properties. This amino acid position is conserved. In addition, this alteration is predicted to be tolerated by in silico analysis. Based on the available evidence, the clinical significance of this variant remains unclear.

Labcorp Genetics (formerly Invitae), Labcorp
Classification: Uncertain significance for Gastrointestinal stromal tumor. Last evaluated: 2023-03-12. Review status: criteria provided, single submitter. Criteria: Invitae Variant Classification Sherloc (09022015). Collection method: clinical testing. Allele origin: germline.
Comment: In summary, the available evidence is currently insufficient to determine the role of this variant in disease. Therefore, it has been classified as a Variant of Uncertain Significance. An algorithm developed to predict the effect of missense changes on protein structure and function (PolyPhen-2) suggests that this variant is likely to be disruptive. ClinVar contains an entry for this variant (Variation ID: 580426). This variant has not been reported in the literature in individuals affected with KIT-related conditions. This variant is not present in population databases (gnomAD no frequency). This sequence change replaces valine, which is neutral and non-polar, with methionine, which is neutral and non-polar, at codon 955 of the KIT protein (p.Val955Met).

NM_000222.3(KIT):c.2863G>A (p.Val955Met)

Gene: KIT (KIT proto-oncogene, receptor tyrosine kinase; plus strand). Cytogenetic location: 4q12.
Variant type: single nucleotide variant.
Coding change: c.2863G>A on transcript NM_000222.3 (MANE Select); coding-DNA position 2863, G replaced by A.
Protein change: p.Val955Met; replaces valine 955 with methionine.
Molecular consequence: missense variant.
Genome position (GRCh38, 1-based): chr4:54,738,489, G>A. VCF-style: chr4-54738489-G-A. GRCh37 (hg19) VCF-style: chr4-55604655-G-A.
Other names: c.2851G>A, p.Val951Met (NM_001093772.2, NM_001385292.1); c.2866G>A, p.Val956Met (NM_001385284.1); c.2860G>A, p.Val954Met (NM_001385285.1); c.2848G>A, p.Val950Met (NM_001385286.1); c.2854G>A, p.Val952Met (NM_001385288.1); c.2863G>A, p.Val955Met (NM_001385290.1); short protein forms V955M, V951M, V950M, V952M, V954M, V956M.
Identifiers: ClinVar variation 580426 (VCV000580426.8), dbSNP rs1060502568, ClinGen allele CA356916226.